The following is an entry in ClinVar:

ClinVar aggregate classification (germline): Likely benign. Review status: criteria provided, multiple submitters, no conflicts (2 of 4 stars). 2 submissions from 2 submitters: Likely benign (2). Last evaluated 2026-03-01.

Allele frequency attached by ClinVar (database versions not stated): 1000 Genomes Project 0.00040; 1000 Genomes Project 30x 0.00047; ExAC 0.00187.
gnomAD v4.1: 2,951 of 1,536,266 alleles (0.19%); highest among the groups gnomAD compares: Non-Finnish European, 0.22%; 8 homozygotes.

Submissions (2):

CeGaT Center for Human Genetics Tuebingen
Classification: Likely benign. Last evaluated: 2026-03-01. Review status: criteria provided, single submitter. Criteria: CeGaT Center For Human Genetics Tuebingen Variant Classification Criteria Version 2. Collection method: clinical testing. Allele origin: germline. Affected: yes. Observed: 5 variant alleles.
Comment: NDUFB10: BP4, BS1

Breakthrough Genomics
Classification: Likely benign. Review status: criteria provided, single submitter. Criteria: ACMG Guidelines, 2015. Collection method: not provided. Allele origin: germline. Inheritance: Autosomal recessive inheritance. Affected: yes.

NM_004548.3(NDUFB10):c.409+44G>C

Gene: NDUFB10 (NADH:ubiquinone oxidoreductase subunit B10; plus strand). Cytogenetic location: 16p13.3.
Variant type: single nucleotide variant.
Coding change: c.409+44G>C on transcript NM_004548.3 (MANE Select); 44 bases into the intron after coding-DNA position 409, G replaced by C.
Molecular consequence: intron variant.
Genome position (GRCh38, 1-based): chr16:1,961,680, G>C. VCF-style: chr16-1961680-G-C. GRCh37 (hg19) VCF-style: chr16-2011681-G-C.
Identifiers: ClinVar variation 1675606 (VCV001675606.34), dbSNP rs200616287, ClinGen allele CA7823380.
Genomic context (GRCh38, chr16:1,961,680, plus strand): 5'-GGCCTACCAGGACCGCTGTGCGTGCCCCACCCACCCCCAACCCCCCACCATCCTCCTGAG[G>C]CCTGGGGGCCAGAACCATTGCAAATCTTCCCTCCCCTCCCTTGTGCTCACTTGACTTTGC-3'